The following is an entry in ClinVar:

NM_002180.3(IGHMBP2):c.597G>A (p.Ala199=)

Gene: IGHMBP2 (immunoglobulin mu DNA binding protein 2; plus strand). Cytogenetic location: 11q13.3.
Variant type: single nucleotide variant.
Coding change: c.597G>A on transcript NM_002180.3 (MANE Select); coding-DNA position 597, G replaced by A.
Protein change: p.Ala199=; no amino-acid change (alanine 199 retained).
Molecular consequence: synonymous variant.
Genome position (GRCh38, 1-based): chr11:68,911,489, G>A. VCF-style: chr11-68911489-G-A. GRCh37 (hg19) VCF-style: chr11-68678957-G-A.
Identifiers: ClinVar variation 704991 (VCV000704991.8), dbSNP rs780961121, ClinGen allele CA6153337.

ClinVar aggregate classification (germline): Likely benign. Review status: criteria provided, multiple submitters, no conflicts (2 of 4 stars). 2 submissions from 2 submitters: Likely benign (2). Last evaluated 2025-12-26.

Conditions:
Charcot-Marie-Tooth disease axonal type 2S. Also called: CHARCOT-MARIE-TOOTH DISEASE, AXONAL, AUTOSOMAL RECESSIVE, TYPE 2S; CHARCOT-MARIE-TOOTH NEUROPATHY, TYPE 2S. Identifiers: Orphanet 443073, MedGen C4015349, MONDO:0014511, OMIM 616155.
Autosomal recessive distal spinal muscular atrophy 1. Also called: HMN VI; NEURONOPATHY, SEVERE INFANTILE AXONAL, WITH RESPIRATORY FAILURE; SEVERE INFANTILE AXONAL NEUROPATHY WITH RESPIRATORY FAILURE; SPINAL MUSCULAR ATROPHY, DIAPHRAGMATIC; NEUROPATHY, DISTAL HEREDITARY MOTOR, AUTOSOMAL RECESSIVE 1; NEURONOPATHY, DISTAL HEREDITARY MOTOR, HARDING TYPE VI. Identifiers: Orphanet 98920, MedGen C1858517, MONDO:0011436, OMIM 604320.
IGHMBP2-related disorder. Also called: IGHMBP2-related disorders; IGHMBP2-related condition.

Allele frequency attached by ClinVar (database versions not stated): gnomAD exomes below 0.00001; ExAC 0.00001; gnomAD 0.00001.
gnomAD v4.1: 6 of 1,614,060 alleles (0.00037%); highest among the groups gnomAD compares: East Asian, 0.0022%; no homozygotes.

Submissions (2):

Labcorp Genetics (formerly Invitae), Labcorp
Classification: Likely benign for Autosomal recessive distal spinal muscular atrophy 1; Charcot-Marie-Tooth disease axonal type 2S. Last evaluated: 2025-12-26. Review status: criteria provided, single submitter. Criteria: Invitae Variant Classification Sherloc (09022015). Collection method: clinical testing. Allele origin: germline.

PreventionGenetics, part of Exact Sciences
Classification: Likely benign for IGHMBP2-related condition. Last evaluated: 2025-04-30. Review status: criteria provided, single submitter. Criteria: ACMG Guidelines, 2015. Collection method: clinical testing. Allele origin: germline.
Comment: This variant is classified as likely benign based on ACMG/AMP sequence variant interpretation guidelines (Richards et al. 2015 PMID: 25741868, with internal and published modifications).